The following is an entry in ClinVar:

ClinVar aggregate classification (germline): Uncertain significance (1 of 4 stars; one submission).

gnomAD v4.1: 4 of 1,614,028 alleles (0.00025%); highest among the groups gnomAD compares: South Asian, 0.0022%; no homozygotes.

Submission:

GeneDx
Classification: Uncertain significance. Last evaluated: 2021-05-28. Review status: criteria provided, single submitter. Criteria: GeneDx Variant Classification Process June 2021. Collection method: clinical testing. Allele origin: germline. Affected: yes.
Comment: Not observed at significant frequency in large population cohorts (Lek et al., 2016); In silico analysis supports a deleterious effect on splicing; Has not been previously published as pathogenic or benign to our knowledge; This variant is associated with the following publications: (PMID: 27535533)

NM_001845.6(COL4A1):c.904-8G>A

Gene: COL4A1 (collagen type IV alpha 1 chain; minus strand). Cytogenetic location: 13q34.
Variant type: single nucleotide variant.
Coding change: c.904-8G>A on transcript NM_001845.6 (MANE Select); 8 bases into the intron before coding-DNA position 904, G replaced by A.
Molecular consequence: intron variant.
Genome position (GRCh38, 1-based): chr13:110,205,414, C>T on the plus strand (G>A on the coding strand, the complement: COL4A1 is on the minus strand). VCF-style: chr13-110205414-C-T. GRCh37 (hg19) VCF-style: chr13-110857761-C-T.
Other names: c.904-8G>A (NM_001303110.2).
Identifiers: ClinVar variation 1317344 (VCV001317344.2), dbSNP rs767732094, ClinGen allele CA2573053779.